The following is an entry in ClinVar:

ClinVar aggregate classification (germline): Conflicting classifications of pathogenicity. Review status: criteria provided, conflicting classifications (1 of 4 stars). 3 submissions from 3 submitters: Uncertain significance (1); Likely benign (2). Last evaluated 2024-11-25.

Conditions:
Nance-Horan syndrome (NHS). Identifiers: Orphanet 627, MedGen C0796085, MONDO:0010545, OMIM 302350.

Allele frequency attached by ClinVar (database versions not stated): ExAC 0.00001; gnomAD 0.00001; TOPMed 0.00001; gnomAD exomes 0.00002.
gnomAD v4.1: 29 of 1,209,888 alleles (0.0024%); highest among the groups gnomAD compares: Middle Eastern, 0.046%; no homozygotes.

Submissions (3):

Labcorp Genetics (formerly Invitae), Labcorp
Classification: Uncertain significance for Nance-Horan syndrome. Last evaluated: 2024-11-25. Review status: criteria provided, single submitter. Criteria: Invitae Variant Classification Sherloc (09022015). Collection method: clinical testing. Allele origin: germline.
Comment: This sequence change replaces serine, which is neutral and polar, with glycine, which is neutral and non-polar, at codon 1157 of the NHS protein (p.Ser1157Gly). This variant is present in population databases (rs755219421, gnomAD 0.004%), including at least one homozygous and/or hemizygous individual. This variant has not been reported in the literature in individuals affected with NHS-related conditions. ClinVar contains an entry for this variant (Variation ID: 3008307). Invitae Evidence Modeling of protein sequence and biophysical properties (such as structural, functional, and spatial information, amino acid conservation, physicochemical variation, residue mobility, and thermodynamic stability) indicates that this missense variant is not expected to disrupt NHS protein function with a negative predictive value of 80%. Algorithms developed to predict the effect of sequence changes on RNA splicing suggest that this variant may create or strengthen a splice site. In summary, the available evidence is currently insufficient to determine the role of this variant in disease. Therefore, it has been classified as a Variant of Uncertain Significance.

Blueprint Genetics
Classification: Likely benign. Last evaluated: 2024-10-08. Review status: criteria provided, single submitter. Criteria: ACMG Guidelines, 2015. Collection method: clinical testing. Allele origin: germline.

CeGaT Center for Human Genetics Tuebingen
Classification: Likely benign. Last evaluated: 2024-02-01. Review status: criteria provided, single submitter. Criteria: CeGaT Center For Human Genetics Tuebingen Variant Classification Criteria Version 2. Collection method: clinical testing. Allele origin: germline. Affected: yes. Observed: 1 variant allele.
Comment: NHS: BP4, BS2

NM_001291867.2(NHS):c.3532A>G (p.Ser1178Gly)

Gene: NHS (NHS actin remodeling regulator; plus strand). Cytogenetic location: Xp22.13.
Variant type: single nucleotide variant.
Coding change: c.3532A>G on transcript NM_001291867.2 (MANE Select); coding-DNA position 3532, A replaced by G.
Protein change: p.Ser1178Gly; replaces serine 1178 with glycine.
Molecular consequence: missense variant.
Genome position (GRCh38, 1-based): chrX:17,727,638, A>G. VCF-style: chrX-17727638-A-G. GRCh37 (hg19) VCF-style: chrX-17745758-A-G.
Other names: c.3001A>G, p.Ser1001Gly (NM_001136024.4); c.2938A>G, p.Ser980Gly (NM_001291868.2); c.3469A>G, p.Ser1157Gly (NM_198270.4); short protein forms S1001G, S1157G, S980G, S1178G.
Identifiers: ClinVar variation 3008307 (VCV003008307.25), dbSNP rs755219421, ClinGen allele CA10358832.
Genomic context (GRCh38, chrX:17,727,638, plus strand): 5'-AACAATACAGATCTCCCTTATTTAGAGGAAAGCACACTCACAACGGCTGCCTTGTCTCCA[A>G]GTAAGATTAGGCCGCATACAGCAAATAAATCAGTATCTCGTCAATACTCCACTGAAGACA-3'
Protein context (NP_001278796.1, residues 1168-1188): STLTTAALSP[Ser1178Gly]KIRPHTANKS